The following is an entry in ClinVar:

ClinVar aggregate classification (germline): Likely benign. Review status: criteria provided, single submitter (1 of 4 stars). 2 submissions from 2 submitters: Likely benign (1). 1 of the submissions does not count toward it. Last evaluated 2021-10-03.

Conditions:
Spastic paraplegia. Identifiers: MedGen C0037772, HP:0001258.
KIF5A-related disorder. Also called: KIF5A-related condition; KIF5A-related disorders.

Allele frequency attached by ClinVar (database versions not stated): gnomAD 0.00001; gnomAD exomes 0.00001; TOPMed 0.00001.
gnomAD v4.1: 4 of 1,614,056 alleles (0.00025%); highest among the groups gnomAD compares: Admixed American, 0.0017%; no homozygotes.

Submissions (2):

Labcorp Genetics (formerly Invitae), Labcorp
Classification: Likely benign for Spastic paraplegia. Last evaluated: 2021-10-03. Review status: criteria provided, single submitter. Criteria: Invitae Variant Classification Sherloc (09022015). Collection method: clinical testing. Allele origin: germline.

PreventionGenetics, part of Exact Sciences
Classification: Likely benign for KIF5A-related condition. Last evaluated: 2022-06-08. Review status: no assertion criteria provided. Collection method: clinical testing. Allele origin: germline. Not counted in ClinVar's aggregate classification.
Comment: This variant is classified as likely benign based on ACMG/AMP sequence variant interpretation guidelines (Richards et al. 2015 PMID: 25741868, with internal and published modifications).

NM_004984.4(KIF5A):c.93C>T (p.Ile31=)

Gene: KIF5A (kinesin family member 5A; plus strand). Cytogenetic location: 12q13.3.
Variant type: single nucleotide variant.
Coding change: c.93C>T on transcript NM_004984.4 (MANE Select); coding-DNA position 93, C replaced by T.
Protein change: p.Ile31=; no amino-acid change (isoleucine 31 retained).
Molecular consequence: synonymous variant.
Genome position (GRCh38, 1-based): chr12:57,550,364, C>T. VCF-style: chr12-57550364-C-T. GRCh37 (hg19) VCF-style: chr12-57944147-C-T.
Other names: c.93C>T, p.Ile31= (NM_001354705.2); c.93C>T (NM_004984.2).
Identifiers: ClinVar variation 1669813 (VCV001669813.9), dbSNP rs923503057, ClinGen allele CA237802457.